The following is an entry in ClinVar:

NM_004320.6(ATP2A1):c.841G>A (p.Asp281Asn)

Gene: ATP2A1 (ATPase sarcoplasmic/endoplasmic reticulum Ca2+ transporting 1; plus strand). Cytogenetic location: 16p11.2.
Variant type: single nucleotide variant.
Coding change: c.841G>A on transcript NM_004320.6 (MANE Select); coding-DNA position 841, G replaced by A.
Protein change: p.Asp281Asn; replaces aspartic acid 281 with asparagine.
Molecular consequence: missense variant.
Genome position (GRCh38, 1-based): chr16:28,887,635, G>A. VCF-style: chr16-28887635-G-A. GRCh37 (hg19) VCF-style: chr16-28898956-G-A.
Other names: c.466G>A, p.Asp156Asn (NM_001286075.2); c.841G>A, p.Asp281Asn (NM_173201.5); short protein forms D156N, D281N.
Identifiers: ClinVar variation 1494798 (VCV001494798.4), dbSNP rs182391081, ClinGen allele CA7986770.

ClinVar aggregate classification (germline): Uncertain significance (1 of 4 stars; one submission).

Conditions:
Brody myopathy. Also called: BRODY DISEASE. Identifiers: Orphanet 53347, MedGen C1832918, MONDO:0010977, OMIM 601003.

Allele frequency attached by ClinVar (database versions not stated): gnomAD exomes 0.00001 and 0.00002; TOPMed 0.00001; ExAC 0.00002; gnomAD 0.00004 and 0.00005; 1000 Genomes Project 30x 0.00016; 1000 Genomes Project 0.00020.
gnomAD v4.1: 29 of 1,614,090 alleles (0.0018%); highest among the groups gnomAD compares: East Asian, 0.0045%; no homozygotes.

Submission:

Labcorp Genetics (formerly Invitae), Labcorp
Classification: Uncertain significance for Brody myopathy. Last evaluated: 2023-12-21. Review status: criteria provided, single submitter. Criteria: Invitae Variant Classification Sherloc (09022015). Collection method: clinical testing. Allele origin: germline.
Comment: This sequence change replaces aspartic acid, which is acidic and polar, with asparagine, which is neutral and polar, at codon 281 of the ATP2A1 protein (p.Asp281Asn). This variant is present in population databases (rs182391081, gnomAD 0.01%). This variant has not been reported in the literature in individuals affected with ATP2A1-related conditions. ClinVar contains an entry for this variant (Variation ID: 1494798). An algorithm developed to predict the effect of missense changes on protein structure and function (PolyPhen-2) suggests that this variant is likely to be disruptive. In summary, the available evidence is currently insufficient to determine the role of this variant in disease. Therefore, it has been classified as a Variant of Uncertain Significance.